The following is an entry in ClinVar:

NM_004281.4(BAG3):c.717G>C (p.Glu239Asp)

Gene: BAG3 (BAG cochaperone 3; plus strand). Cytogenetic location: 10q26.11.
Variant type: single nucleotide variant.
Coding change: c.717G>C on transcript NM_004281.4 (MANE Select); coding-DNA position 717, G replaced by C.
Protein change: p.Glu239Asp; replaces glutamic acid 239 with aspartic acid.
Molecular consequence: missense variant.
Genome position (GRCh38, 1-based): chr10:119,672,464, G>C. VCF-style: chr10-119672464-G-C. GRCh37 (hg19) VCF-style: chr10-121431976-G-C.
Other names: short protein forms E239D.
Identifiers: ClinVar variation 3752826 (VCV003752826.2).

ClinVar aggregate classification (germline): Uncertain significance (1 of 4 stars; one submission).

Conditions:
Dilated cardiomyopathy 1HH (CMD1HH). Identifiers: Orphanet 154, MedGen C3151293, MONDO:0013479, OMIM 613881.
Myofibrillar myopathy 6. Identifiers: Orphanet 199340, MedGen C2751831, MONDO:0013061, OMIM 612954.

Submission:

Labcorp Genetics (formerly Invitae), Labcorp
Classification: Uncertain significance for Dilated cardiomyopathy 1HH; Myofibrillar myopathy 6. Last evaluated: 2024-08-01. Review status: criteria provided, single submitter. Criteria: Invitae Variant Classification Sherloc (09022015). Collection method: clinical testing. Allele origin: germline.
Comment: This sequence change replaces glutamic acid, which is acidic and polar, with aspartic acid, which is acidic and polar, at codon 239 of the BAG3 protein (p.Glu239Asp). This variant is not present in population databases (gnomAD no frequency). This variant has not been reported in the literature in individuals affected with BAG3-related conditions. Advanced modeling of protein sequence and biophysical properties (such as structural, functional, and spatial information, amino acid conservation, physicochemical variation, residue mobility, and thermodynamic stability) performed at Invitae indicates that this missense variant is not expected to disrupt BAG3 protein function with a negative predictive value of 80%. In summary, the available evidence is currently insufficient to determine the role of this variant in disease. Therefore, it has been classified as a Variant of Uncertain Significance.